The following is an entry in ClinVar:

NM_031229.4(RBCK1):c.1153G>T (p.Asp385Tyr)

Gene: RBCK1 (RANBP2-type and C3HC4-type zinc finger containing 1; plus strand). Cytogenetic location: 20p13.
Variant type: single nucleotide variant.
Coding change: c.1153G>T on transcript NM_031229.4 (MANE Select); coding-DNA position 1153, G replaced by T.
Protein change: p.Asp385Tyr; replaces aspartic acid 385 with tyrosine.
Molecular consequence: missense variant. On other transcripts: non-coding transcript variant (1).
Genome position (GRCh38, 1-based): chr20:427,436, G>T. VCF-style: chr20-427436-G-T. GRCh37 (hg19) VCF-style: chr20-408080-G-T.
Other names: c.643G>T, p.Asp215Tyr (NM_001323956.2, NM_001323958.2); c.1204G>T, p.Asp402Tyr (NM_001410770.1); c.1027G>T, p.Asp343Tyr (NM_006462.6); c.1153G>T (NM_031229.2); short protein forms D402Y, D215Y, D385Y, D343Y.
Identifiers: ClinVar variation 2054900 (VCV002054900.2), dbSNP rs762445622, ClinGen allele CA407934863.

ClinVar aggregate classification (germline): Uncertain significance. Review status: criteria provided, multiple submitters, no conflicts (2 of 4 stars). 2 submissions from 2 submitters: Uncertain significance (2). Last evaluated 2025-05-19.

Conditions:
Inborn genetic diseases. Identifiers: MedGen C0950123, MeSH D030342.
Polyglucosan body myopathy type 1 (PGBM1). Also called: Polyglucosan body myopathy 1 with or without immunodeficiency; POLYGLUCOSAN BODY MYOPATHY WITHOUT IMMUNODEFICIENCY. Identifiers: Orphanet 329173, Orphanet 397937, MedGen C4014605, MONDO:0014389, OMIM 615895.

Allele frequency attached by ClinVar (database versions not stated): TOPMed below 0.00001.
gnomAD v4.1: 17 of 1,614,164 alleles (0.0011%); highest among the groups gnomAD compares: Admixed American, 0.0017%; no homozygotes.

Submissions (2):

Ambry Genetics
Classification: Uncertain significance for Inborn genetic diseases. Last evaluated: 2025-05-19. Review status: criteria provided, single submitter. Criteria: Ambry Variant Classification Scheme 2023. Collection method: clinical testing. Allele origin: germline.

Labcorp Genetics (formerly Invitae), Labcorp
Classification: Uncertain significance for Polyglucosan body myopathy type 1. Last evaluated: 2022-03-04. Review status: criteria provided, single submitter. Criteria: Invitae Variant Classification Sherloc (09022015). Collection method: clinical testing. Allele origin: germline.
Comment: This sequence change replaces aspartic acid, which is acidic and polar, with tyrosine, which is neutral and polar, at codon 385 of the RBCK1 protein (p.Asp385Tyr). This variant is present in population databases (no rsID available, gnomAD 0.003%). This variant has not been reported in the literature in individuals affected with RBCK1-related conditions. Algorithms developed to predict the effect of missense changes on protein structure and function are either unavailable or do not agree on the potential impact of this missense change (SIFT: "Not Available"; PolyPhen-2: "Possibly Damaging"; Align-GVGD: "Not Available"). Algorithms developed to predict the effect of sequence changes on RNA splicing suggest that this variant may disrupt the consensus splice site. In summary, the available evidence is currently insufficient to determine the role of this variant in disease. Therefore, it has been classified as a Variant of Uncertain Significance.